The following is an entry in ClinVar:

NM_004364.5(CEBPA):c.575C>G (p.Pro192Arg)

Gene: CEBPA (CCAAT enhancer binding protein alpha; minus strand). Cytogenetic location: 19q13.11.
Variant type: single nucleotide variant.
Coding change: c.575C>G on transcript NM_004364.5 (MANE Select); coding-DNA position 575, C replaced by G.
Protein change: p.Pro192Arg; replaces proline 192 with arginine.
Molecular consequence: missense variant.
Genome position (GRCh38, 1-based): chr19:33,301,840, G>C on the plus strand (C>G on the coding strand, the complement: CEBPA is on the minus strand). VCF-style: chr19-33301840-G-C. GRCh37 (hg19) VCF-style: chr19-33792746-G-C.
Other names: c.218C>G, p.Pro73Arg (NM_001285829.2); c.680C>G, p.Pro227Arg (NM_001287424.2); c.533C>G, p.Pro178Arg (NM_001287435.2); c.575C>G (NM_004364.3); short protein forms P178R, P227R, P192R, P73R.
Identifiers: ClinVar variation 1371773 (VCV001371773.9), dbSNP rs1247330890, ClinGen allele CA405274660.

ClinVar aggregate classification (germline): Uncertain significance. Review status: criteria provided, multiple submitters, no conflicts (2 of 4 stars). 2 submissions from 2 submitters: Uncertain significance (2). Last evaluated 2025-01-17.

Conditions:
Inborn genetic diseases. Identifiers: MedGen C0950123, MeSH D030342.
Acute myeloid leukemia (AML). Also called: Leukemia, acute myeloid, somatic; Leukemia, acute myelogenous, somatic; Acute myeloid leukemia, adult; AML adult; Acute non-lymphocytic leukemia; Acute granulocytic leukemia. Identifiers: Orphanet 519, MedGen C0023467, MeSH D015470, MONDO:0018874, OMIM 601626, HP:0004808. Disease mechanism: Constitutively activated FLT3.

Submissions (2):

Ambry Genetics
Classification: Uncertain significance for Inborn genetic diseases. Last evaluated: 2025-01-17. Review status: criteria provided, single submitter. Criteria: Ambry Variant Classification Scheme 2023. Collection method: clinical testing. Allele origin: germline.
Comment: The p.P192R variant (also known as c.575C>G), located in coding exon 1 of the CEBPA gene, results from a C to G substitution at nucleotide position 575. The proline at codon 192 is replaced by arginine, an amino acid with dissimilar properties. This amino acid position is conserved. In addition, this alteration is predicted to be tolerated by in silico analysis. Based on the available evidence, the clinical significance of this variant remains unclear.

Labcorp Genetics (formerly Invitae), Labcorp
Classification: Uncertain significance for Acute myeloid leukemia. Last evaluated: 2020-12-02. Review status: criteria provided, single submitter. Criteria: Invitae Variant Classification Sherloc (09022015). Collection method: clinical testing. Allele origin: germline.
Comment: In summary, the available evidence is currently insufficient to determine the role of this variant in disease. Therefore, it has been classified as a Variant of Uncertain Significance. This sequence change replaces proline with arginine at codon 192 of the CEBPA protein (p.Pro192Arg). The proline residue is weakly conserved and there is a moderate physicochemical difference between proline and arginine. The frequency data for this variant in the population databases is considered unreliable, as metrics indicate insufficient coverage at this position in the ExAC database. This variant has not been reported in the literature in individuals with CEBPA-related conditions. Algorithms developed to predict the effect of missense changes on protein structure and function (SIFT, PolyPhen-2, Align-GVGD) all suggest that this variant is likely to be tolerated, but these predictions have not been confirmed by published functional studies and their clinical significance is uncertain.